The following is an entry in ClinVar:

NM_004655.4(AXIN2):c.848A>G (p.Tyr283Cys)

Gene: AXIN2 (axin 2; minus strand). Cytogenetic location: 17q24.1.
Variant type: single nucleotide variant.
Coding change: c.848A>G on transcript NM_004655.4 (MANE Select); coding-DNA position 848, A replaced by G.
Protein change: p.Tyr283Cys; replaces tyrosine 283 with cysteine.
Molecular consequence: missense variant.
Genome position (GRCh38, 1-based): chr17:65,549,628, T>C on the plus strand (A>G on the coding strand, the complement: AXIN2 is on the minus strand). VCF-style: chr17-65549628-T-C. GRCh37 (hg19) VCF-style: chr17-63545746-T-C.
Other names: c.848A>G, p.Tyr283Cys (NM_001363813.1); short protein forms Y283C.
Identifiers: ClinVar variation 856382 (VCV000856382.14), dbSNP rs1309872479, ClinGen allele CA400679647.

ClinVar aggregate classification (germline): Uncertain significance. Review status: criteria provided, multiple submitters, no conflicts (2 of 4 stars). 4 submissions from 4 submitters: Uncertain significance (4). Last evaluated 2026-01-13.

Conditions:
Hereditary cancer-predisposing syndrome. Also called: Tumor predisposition; Hereditary neoplastic syndrome; Neoplastic Syndromes, Hereditary; Hereditary Cancer Syndrome. Identifiers: Orphanet 140162, MedGen C0027672, MeSH D009386, MONDO:0015356.
Oligodontia-cancer predisposition syndrome. Also called: TOOTH AGENESIS-COLORECTAL CANCER SYNDROME. Identifiers: Orphanet 300576, MedGen C1837750, MONDO:0012075, OMIM 608615. Disease mechanism: loss of function.

Allele frequency attached by ClinVar (database versions not stated): gnomAD exomes below 0.00001; gnomAD 0.00001.
gnomAD v4.1: 3 of 1,604,620 alleles (0.00019%); highest among the groups gnomAD compares: Admixed American, 0.0051%; no homozygotes.

Submissions (4):

Labcorp Genetics (formerly Invitae), Labcorp
Classification: Uncertain significance for Oligodontia-cancer predisposition syndrome. Last evaluated: 2026-01-13. Review status: criteria provided, single submitter. Criteria: Invitae Variant Classification Sherloc (09022015). Collection method: clinical testing. Allele origin: germline.
Comment: This sequence change replaces tyrosine, which is neutral and polar, with cysteine, which is neutral and slightly polar, at codon 283 of the AXIN2 protein (p.Tyr283Cys). The frequency data for this variant in the population databases is considered unreliable, as metrics indicate poor data quality at this position in the gnomAD database. This variant has not been reported in the literature in individuals affected with AXIN2-related conditions. ClinVar contains an entry for this variant (Variation ID: 856382). Invitae Evidence Modeling of protein sequence and biophysical properties (such as structural, functional, and spatial information, amino acid conservation, physicochemical variation, residue mobility, and thermodynamic stability) indicates that this missense variant is not expected to disrupt AXIN2 protein function with a negative predictive value of 80%. In summary, the available evidence is currently insufficient to determine the role of this variant in disease. Therefore, it has been classified as a Variant of Uncertain Significance.

Ambry Genetics
Classification: Uncertain significance for Hereditary cancer-predisposing syndrome. Last evaluated: 2025-06-12. Review status: criteria provided, single submitter. Criteria: Ambry Variant Classification Scheme 2023. Collection method: clinical testing. Allele origin: germline.
Comment: The p.Y283C variant (also known as c.848A>G), located in coding exon 2 of the AXIN2 gene, results from an A to G substitution at nucleotide position 848. The tyrosine at codon 283 is replaced by cysteine, an amino acid with highly dissimilar properties. This amino acid position is conserved. In addition, this alteration is predicted to be deleterious by in silico analysis. Since supporting evidence is limited at this time, the clinical significance of this alteration remains unclear.

GeneDx
Classification: Uncertain significance. Last evaluated: 2023-09-19. Review status: criteria provided, single submitter. Criteria: GeneDx Variant Classification Process June 2021. Collection method: clinical testing. Allele origin: germline. Affected: yes.
Comment: Not observed at significant frequency in large population cohorts (gnomAD); In silico analysis, which includes protein predictors and evolutionary conservation, supports a deleterious effect; Has not been previously published as pathogenic or benign to our knowledge

Sema4
Classification: Uncertain significance for Hereditary cancer-predisposing syndrome. Last evaluated: 2021-10-25. Review status: criteria provided, single submitter. Criteria: Sema4 Curation Guidelines. Collection method: curation. Allele origin: germline.
Comment: The AXIN2 c.848A>G (p.Y283C) variant has not been reported in the literature to our knowledge. It was observed in 1/32864 chromosomes of the Latino subpopulation in the large and broad cohorts of the Genome Aggregation Database (PMID: 32461654). This variant has been reported in ClinVar (Variation ID 856382). Functional studies have not been performed, and in silico predictions of the variant's effect on protein function are inconclusive. The evidence is insufficient to meet ACMG/AMP criteria for classifying the variant as benign or pathogenic. Thus, the clinical significance of this variant is currently uncertain.